The following is an entry in ClinVar:

NM_002615.7(SERPINF1):c.224C>T (p.Thr75Met)

Gene: SERPINF1 (serpin family F member 1; plus strand). Cytogenetic location: 17p13.3.
Variant type: single nucleotide variant.
Coding change: c.224C>T on transcript NM_002615.7 (MANE Select); coding-DNA position 224, C replaced by T.
Protein change: p.Thr75Met; replaces threonine 75 with methionine.
Molecular consequence: missense variant. On other transcripts: 5 prime UTR variant (1).
Genome position (GRCh38, 1-based): chr17:1,769,991, C>T. VCF-style: chr17-1769991-C-T. GRCh37 (hg19) VCF-style: chr17-1673285-C-T.
Other names: c.224C>T, p.Thr75Met (NM_001329903.2); c.-338C>T (NM_001329904.2); short protein forms T75M.
Identifiers: ClinVar variation 1505700 (VCV001505700.3), dbSNP rs149768643, ClinGen allele CA8274574.

ClinVar aggregate classification (germline): Uncertain significance (1 of 4 stars; one submission).

Allele frequency attached by ClinVar (database versions not stated): 1000 Genomes Project 30x 0.00094; 1000 Genomes Project 0.00100; ExAC 0.00016; ESP Exome Variant Server 0.00031.
gnomAD v4.1: 132 of 1,614,164 alleles (0.0082%); highest among the groups gnomAD compares: South Asian, 0.049%; 1 homozygote.

Submission:

Labcorp Genetics (formerly Invitae), Labcorp
Classification: Uncertain significance. Last evaluated: 2022-08-16. Review status: criteria provided, single submitter. Criteria: Invitae Variant Classification Sherloc (09022015). Collection method: clinical testing. Allele origin: germline.
Comment: This sequence change replaces threonine, which is neutral and polar, with methionine, which is neutral and non-polar, at codon 75 of the SERPINF1 protein (p.Thr75Met). This variant is present in population databases (rs149768643, gnomAD 0.08%). This variant has not been reported in the literature in individuals affected with SERPINF1-related conditions. ClinVar contains an entry for this variant (Variation ID: 1505700). Algorithms developed to predict the effect of missense changes on protein structure and function are either unavailable or do not agree on the potential impact of this missense change (SIFT: "Not Available"; PolyPhen-2: "Possibly Damaging"; Align-GVGD: "Not Available"). In summary, the available evidence is currently insufficient to determine the role of this variant in disease. Therefore, it has been classified as a Variant of Uncertain Significance.